The following is an entry in ClinVar:

NM_152564.5(VPS13B):c.4038C>G (p.Gly1346=)

Gene: VPS13B (vacuolar protein sorting 13 homolog B; plus strand). Cytogenetic location: 8q22.2.
Variant type: single nucleotide variant.
Coding change: c.4038C>G on transcript NM_152564.5 (MANE Select); coding-DNA position 4038, C replaced by G.
Protein change: p.Gly1346=; no amino-acid change (glycine 1346 retained).
Molecular consequence: synonymous variant.
Genome position (GRCh38, 1-based): chr8:99,501,854, C>G. VCF-style: chr8-99501854-C-G. GRCh37 (hg19) VCF-style: chr8-100514082-C-G.
Other names: c.4038C>G, p.Gly1346= (NM_017890.5); c.4038C>G (NM_152564.4).
Identifiers: ClinVar variation 1594694 (VCV001594694.9), dbSNP rs1821248178, ClinGen allele CA462436693.

ClinVar aggregate classification (germline): Likely benign. Review status: criteria provided, multiple submitters, no conflicts (2 of 4 stars). 2 submissions from 2 submitters: Likely benign (2). Last evaluated 2026-08-24.

Conditions:
VPS13B-related disorder. Also called: VPS13B-related condition.
Cohen syndrome (COH1). Also called: PEPPER SYNDROME; Cutis verticis gyrata, retinitis pigmentosa, and sensorineural deafness. Identifiers: Orphanet 193, MedGen C0265223, MONDO:0008999, OMIM 216550.

Allele frequency attached by ClinVar (database versions not stated): gnomAD exomes below 0.00001; TOPMed below 0.00001; gnomAD 0.00001.
gnomAD v4.1: 3 of 1,613,626 alleles (0.00019%); highest among the groups gnomAD compares: Non-Finnish European, 0.00025%; no homozygotes.

Submissions (2):

PreventionGenetics, part of Exact Sciences
Classification: Likely benign for VPS13B-related condition. Last evaluated: 2026-08-24. Review status: criteria provided, single submitter. Criteria: ACMG Guidelines, 2015. Collection method: clinical testing. Allele origin: germline.
Comment: This variant is classified as likely benign based on ACMG/AMP sequence variant interpretation guidelines (Richards et al. 2015 PMID: 25741868, with internal and published modifications).

Labcorp Genetics (formerly Invitae), Labcorp
Classification: Likely benign for Cohen syndrome. Last evaluated: 2025-07-29. Review status: criteria provided, single submitter. Criteria: Invitae Variant Classification Sherloc (09022015). Collection method: clinical testing. Allele origin: germline.